The following is an entry in ClinVar:

NM_000784.4(CYP27A1):c.446+1G>T

Gene: CYP27A1 (cytochrome P450 family 27 subfamily A member 1; plus strand). Cytogenetic location: 2q35.
Variant type: single nucleotide variant.
Coding change: c.446+1G>T on transcript NM_000784.4 (MANE Select); the canonical splice donor site of the intron after coding-DNA position 446, G replaced by T.
Molecular consequence: splice donor variant.
Genome position (GRCh38, 1-based): chr2:218,809,768, G>T. VCF-style: chr2-218809768-G-T. GRCh37 (hg19) VCF-style: chr2-219674491-G-T.
Other names: c.446+1G>T (NM_000784.3).
Identifiers: ClinVar variation 446259 (VCV000446259.18), dbSNP rs587778797, ClinGen allele CA350584205.

ClinVar aggregate classification (germline): Pathogenic/Likely pathogenic. Review status: criteria provided, multiple submitters, no conflicts (2 of 4 stars). 5 submissions from 5 submitters: Pathogenic (4); Likely pathogenic (1). Last evaluated 2025-09-24.

Conditions:
CYP27A1-related disorder. Also called: CYP27A1-related condition.
Cholestanol storage disease (CTX). Also called: CTX: Cerebrotendinous xanthomatosis; Cerebrotendinous Xanthomatosis; CEREBRAL CHOLESTERINOSIS. Identifiers: Orphanet 909, MedGen C0238052, MONDO:0008948, OMIM 213700.

Allele frequency attached by ClinVar (database versions not stated): TOPMed 0.00001.

Submissions (5):

Genesolutions, Medical Genetics Institutes, Ho Chi Minh City, Vietnam
Classification: Pathogenic for Cholestanol storage disease. Last evaluated: 2025-09-24. Review status: criteria provided, single submitter. Criteria: ACMG Guidelines, 2015. Collection method: clinical testing. Allele origin: germline. Affected: yes.

Natera, Inc.
Classification: Pathogenic for Cerebrotendinous xanthomatosis. Last evaluated: 2025-05-19. Review status: criteria provided, single submitter. Criteria: Natera Variant Classification Schema (03/2026). Collection method: clinical testing. Allele origin: germline.
Comment: The c.446+1G>T variant in CYP27A1 is a canonical splice donor site variant predicted to affect pre-mRNA splicing, which may result in an abnormal transcript and altered protein product. This variant is expected to result in nonsense mediated decay, truncation, or a dysfunctional protein product. This variant is rare in the general population with a frequency below the threshold expected for the associated phenotype(s). This variant has been observed in one or more individuals affected with the associated recessive disease, as either homozygous or compound heterozygous with a second variant (PMID: 28590052). Given the available evidence, this variant is classified as Pathogenic.

Labcorp Genetics (formerly Invitae), Labcorp
Classification: Pathogenic for Cholestanol storage disease. Last evaluated: 2024-06-04. Review status: criteria provided, single submitter. Criteria: Invitae Variant Classification Sherloc (09022015). Collection method: clinical testing. Allele origin: germline.
Comment: This sequence change affects a donor splice site in intron 2 of the CYP27A1 gene. It is expected to disrupt RNA splicing. Variants that disrupt the donor or acceptor splice site typically lead to a loss of protein function (PMID: 16199547), and loss-of-function variants in CYP27A1 are known to be pathogenic (PMID: 9392430, 10775536, 26937392). This variant is not present in population databases (gnomAD no frequency). Disruption of this splice site has been observed in individual(s) with cerebrotendinous xanthomatosis (PMID: 10775536, 26937392, 28590052). In at least one individual the data is consistent with being in trans (on the opposite chromosome) from a pathogenic variant. ClinVar contains an entry for this variant (Variation ID: 446259). Algorithms developed to predict the effect of sequence changes on RNA splicing suggest that this variant may disrupt the consensus splice site. For these reasons, this variant has been classified as Pathogenic.

Blueprint Genetics
Classification: Likely pathogenic for CYP27A1-related disorders. Last evaluated: 2023-10-06. Review status: criteria provided, single submitter. Criteria: ACMG Guidelines, 2015. Collection method: clinical testing. Allele origin: germline. Affected: yes. Observed: 1 variant allele.

Eurofins Ntd Llc (ga)
Classification: Pathogenic. Last evaluated: 2018-03-26. Review status: criteria provided, single submitter. Criteria: EGL ClinVar v180209 classification definitions. Collection method: clinical testing. Allele origin: germline. Observed: 1 variant allele, 1 heterozygote.

Literature cited by the submitters: PubMed 28590052 (cited by Natera, Inc. and Labcorp Genetics (formerly Invitae), Labcorp); PubMed 16199547 (cited by Labcorp Genetics (formerly Invitae), Labcorp); PubMed 9392430 (cited by Labcorp Genetics (formerly Invitae), Labcorp); PubMed 10775536 (cited by Labcorp Genetics (formerly Invitae), Labcorp); PubMed 26937392 (cited by Labcorp Genetics (formerly Invitae), Labcorp).